The following is an entry in ClinVar:

NM_000836.4(GRIN2D):c.3154G>A (p.Asp1052Asn)

Gene: GRIN2D (glutamate ionotropic receptor NMDA type subunit 2D; plus strand). Cytogenetic location: 19q13.33.
Variant type: single nucleotide variant.
Coding change: c.3154G>A on transcript NM_000836.4 (MANE Select); coding-DNA position 3154, G replaced by A.
Protein change: p.Asp1052Asn; replaces aspartic acid 1052 with asparagine.
Molecular consequence: missense variant.
Genome position (GRCh38, 1-based): chr19:48,443,080, G>A. VCF-style: chr19-48443080-G-A. GRCh37 (hg19) VCF-style: chr19-48946337-G-A.
Other names: c.3154G>A (NM_000836.2); short protein forms D1052N.
Identifiers: ClinVar variation 1545379 (VCV001545379.41), dbSNP rs771026032, ClinGen allele CA9550818.

ClinVar aggregate classification (germline): Benign/Likely benign. Review status: criteria provided, multiple submitters, no conflicts (2 of 4 stars). 5 submissions from 5 submitters: Benign (1); Likely benign (4). Last evaluated 2026-03-01.

Conditions:
Inborn genetic diseases. Identifiers: MedGen C0950123, MeSH D030342.
GRIN2D-related disorder. Also called: GRIN2D-related condition.

Allele frequency attached by ClinVar (database versions not stated): 1000 Genomes Project 30x 0.00047; gnomAD exomes 0.00051; TOPMed 0.00079; gnomAD 0.00094 and 0.00096.
gnomAD v4.1: 2,107 of 1,033,196 alleles (0.2%); highest among the groups gnomAD compares: Non-Finnish European, 0.23%; 5 homozygotes.

Submissions (5):

CeGaT Center for Human Genetics Tuebingen
Classification: Likely benign. Last evaluated: 2026-03-01. Review status: criteria provided, single submitter. Criteria: CeGaT Center For Human Genetics Tuebingen Variant Classification Criteria Version 2. Collection method: clinical testing. Allele origin: germline. Affected: yes. Observed: 15 variant alleles.
Comment: GRIN2D: BS1

Labcorp Genetics (formerly Invitae), Labcorp
Classification: Benign. Last evaluated: 2026-01-19. Review status: criteria provided, single submitter. Criteria: Invitae Variant Classification Sherloc (09022015). Collection method: clinical testing. Allele origin: germline.

PreventionGenetics, part of Exact Sciences
Classification: Likely benign for GRIN2D-related condition. Last evaluated: 2025-07-11. Review status: criteria provided, single submitter. Criteria: ACMG Guidelines, 2015. Collection method: clinical testing. Allele origin: germline.
Comment: This variant is classified as likely benign based on ACMG/AMP sequence variant interpretation guidelines (Richards et al. 2015 PMID: 25741868, with internal and published modifications).

Blueprint Genetics
Classification: Likely benign. Last evaluated: 2024-11-26. Review status: criteria provided, single submitter. Criteria: ACMG Guidelines, 2015. Collection method: clinical testing. Allele origin: germline.

Ambry Genetics
Classification: Likely benign for Inborn genetic diseases. Last evaluated: 2022-01-26. Review status: criteria provided, single submitter. Criteria: Ambry Variant Classification Scheme 2023. Collection method: clinical testing. Allele origin: germline.